The following is an entry in ClinVar:

ClinVar aggregate classification (germline): Likely benign. Review status: criteria provided, multiple submitters, no conflicts (2 of 4 stars). 3 submissions from 3 submitters: Likely benign (2). 1 of the submissions does not count toward it. Last evaluated 2025-01-13.

Conditions:
Inborn genetic diseases. Identifiers: MedGen C0950123, MeSH D030342.
DDX41-related disorder. Also called: DDX41-related condition.

Allele frequency attached by ClinVar (database versions not stated): gnomAD exomes 0.00001; ExAC 0.00002; gnomAD 0.00002; TOPMed 0.00003.
gnomAD v4.1: 25 of 1,614,038 alleles (0.0015%); highest among the groups gnomAD compares: African/African-American, 0.004%; no homozygotes.

Submissions (3):

Ambry Genetics
Classification: Likely benign for Inborn genetic diseases. Last evaluated: 2025-01-13. Review status: criteria provided, single submitter. Criteria: Ambry Variant Classification Scheme 2023. Collection method: clinical testing. Allele origin: germline.

Labcorp Genetics (formerly Invitae), Labcorp
Classification: Likely benign. Last evaluated: 2023-10-05. Review status: criteria provided, single submitter. Criteria: Invitae Variant Classification Sherloc (09022015). Collection method: clinical testing. Allele origin: germline.

PreventionGenetics, part of Exact Sciences
Classification: Likely benign for DDX41-related condition. Last evaluated: 2022-05-25. Review status: no assertion criteria provided. Collection method: clinical testing. Allele origin: germline. Not counted in ClinVar's aggregate classification.
Comment: This variant is classified as likely benign based on ACMG/AMP sequence variant interpretation guidelines (Richards et al. 2015 PMID: 25741868, with internal and published modifications).

NM_016222.4(DDX41):c.1509C>T (p.His503=)

Gene: DDX41 (DEAD-box helicase 41; minus strand). Cytogenetic location: 5q35.3.
Variant type: single nucleotide variant.
Coding change: c.1509C>T on transcript NM_016222.4 (MANE Select); coding-DNA position 1509, C replaced by T.
Protein change: p.His503=; no amino-acid change (histidine 503 retained).
Molecular consequence: synonymous variant.
Genome position (GRCh38, 1-based): chr5:177,512,536, G>A on the plus strand (C>T on the coding strand, the complement: DDX41 is on the minus strand). VCF-style: chr5-177512536-G-A. GRCh37 (hg19) VCF-style: chr5-176939537-G-A.
Other names: c.1509C>T (NM_016222.2, NM_016222.3); c.1131C>T, p.His377= (NM_001321732.2, NM_001321830.2).
Identifiers: ClinVar variation 1907787 (VCV001907787.8), dbSNP rs756656167, ClinGen allele CA3584729.
Genomic context (GRCh38, chr5:177,512,536, plus strand): 5'-CTTGGGCCCCAGGCTCTTACCATAGTTCTCAATCTCCTCTGGCATGTCATAATTGATGAC[G>A]TGCTGGATGGCAGGGAAGTCCAGGCCCTTGGAGGCAACGTCTGTGGCTACTAGGACATCC-3'
Protein context (NP_057306.2, residues 493-513): SKGLDFPAIQ[His503=]VINYDMPEEI